The following is an entry in ClinVar:

NM_000297.4(PKD2):c.112G>A (p.Ala38Thr)

Genes: PKD2 (polycystin 2, transient receptor potential cation channel; plus strand), LOC129992813 (ATAC-STARR-seq lymphoblastoid silent region 15559; plus strand). Cytogenetic location: 4q22.1.
Variant type: single nucleotide variant.
Coding change: c.112G>A on transcript NM_000297.4 (MANE Select); coding-DNA position 112, G replaced by A.
Protein change: p.Ala38Thr; replaces alanine 38 with threonine.
Molecular consequence: missense variant. On other transcripts: non-coding transcript variant (1).
Genome position (GRCh38, 1-based): chr4:88,007,845, G>A. VCF-style: chr4-88007845-G-A. GRCh37 (hg19) VCF-style: chr4-88928997-G-A.
Other names: short protein forms A38T.
Identifiers: ClinVar variation 2984519 (VCV002984519.3), dbSNP rs1161752843, ClinGen allele CA357625227.

ClinVar aggregate classification (germline): Uncertain significance (1 of 4 stars; one submission).

Conditions:
Autosomal dominant polycystic kidney disease. Identifiers: Orphanet 730, MedGen C0085413, MONDO:0004691.

Allele frequency attached by ClinVar (database versions not stated): gnomAD exomes below 0.00001; gnomAD 0.00001; 1000 Genomes Project 30x 0.00016.

Submission:

Labcorp Genetics (formerly Invitae), Labcorp
Classification: Uncertain significance for Autosomal dominant polycystic kidney disease. Last evaluated: 2025-06-06. Review status: criteria provided, single submitter. Criteria: Invitae Variant Classification Sherloc (09022015). Collection method: clinical testing. Allele origin: germline.
Comment: This sequence change replaces alanine, which is neutral and non-polar, with threonine, which is neutral and polar, at codon 38 of the PKD2 protein (p.Ala38Thr). The frequency data for this variant in the population databases is considered unreliable, as metrics indicate insufficient coverage at this position in the gnomAD database. This variant has not been reported in the literature in individuals affected with PKD2-related conditions. ClinVar contains an entry for this variant (Variation ID: 2984519). An algorithm developed to predict the effect of missense changes on protein structure and function (PolyPhen-2) suggests that this variant is likely to be tolerated. In summary, the available evidence is currently insufficient to determine the role of this variant in disease. Therefore, it has been classified as a Variant of Uncertain Significance.